The following is an entry in ClinVar:

ClinVar aggregate classification (germline): Uncertain significance. Review status: criteria provided, multiple submitters, no conflicts (2 of 4 stars). 2 submissions from 2 submitters: Uncertain significance (2). Last evaluated 2023-01-25.

Conditions:
Inborn genetic diseases. Identifiers: MedGen C0950123, MeSH D030342.

Allele frequency attached by ClinVar (database versions not stated): 1000 Genomes Project 30x 0.00016; 1000 Genomes Project 0.00020; gnomAD exomes below 0.00001 and 0.00001; ExAC 0.00001; gnomAD 0.00001; TOPMed 0.00002.
gnomAD v4.1: 7 of 1,613,860 alleles (0.00043%); highest among the groups gnomAD compares: African/African-American, 0.0067%; no homozygotes.

Submissions (2):

GeneDx
Classification: Uncertain significance. Last evaluated: 2023-01-25. Review status: criteria provided, single submitter. Criteria: GeneDx Variant Classification Process June 2021. Collection method: clinical testing. Allele origin: germline. Affected: yes.
Comment: In silico analysis supports that this missense variant does not alter protein structure/function; Has not been previously published as pathogenic or benign to our knowledge

Ambry Genetics
Classification: Uncertain significance for Inborn genetic diseases. Last evaluated: 2015-10-21. Review status: criteria provided, single submitter. Criteria: Ambry exome assertion method (8-5-2015). Collection method: clinical testing. Allele origin: germline. Affected: yes. Observed: 1 variant allele.

NM_173076.3(ABCA12):c.2417T>G (p.Leu806Trp)

Gene: ABCA12 (ATP binding cassette subfamily A member 12; minus strand). Cytogenetic location: 2q35.
Variant type: single nucleotide variant.
Coding change: c.2417T>G on transcript NM_173076.3 (MANE Select); coding-DNA position 2417, T replaced by G.
Protein change: p.Leu806Trp; replaces leucine 806 with tryptophan.
Molecular consequence: missense variant. On other transcripts: non-coding transcript variant (1).
Genome position (GRCh38, 1-based): chr2:215,010,386, A>C on the plus strand (T>G on the coding strand, the complement: ABCA12 is on the minus strand). VCF-style: chr2-215010386-A-C. GRCh37 (hg19) VCF-style: chr2-215875110-A-C.
Other names: c.1463T>G, p.Leu488Trp (NM_015657.4); short protein forms L806W, L488W.
Identifiers: ClinVar variation 520847 (VCV000520847.7), dbSNP rs147076551, ClinGen allele CA2091970.